The following is an entry in ClinVar:

ClinVar aggregate classification (germline): Benign. Review status: criteria provided, multiple submitters, no conflicts (2 of 4 stars). 2 submissions from 2 submitters: Benign (2). Last evaluated 2026-02-04.

Allele frequency attached by ClinVar (database versions not stated): ExAC 0.15649; gnomAD exomes 0.12472 and 0.15230; ESP Exome Variant Server 0.21736; gnomAD 0.21774 and 0.22092; 1000 Genomes Project 0.27077; 1000 Genomes Project 30x 0.27155; TOPMed 0.23087.
gnomAD v4.1: 216,831 of 1,613,866 alleles (13%); highest among the groups gnomAD compares: African/African-American, 46%; 20,829 homozygotes.

Submissions (2):

Labcorp Genetics (formerly Invitae), Labcorp
Classification: Benign. Last evaluated: 2026-02-04. Review status: criteria provided, single submitter. Criteria: Invitae Variant Classification Sherloc (09022015). Collection method: clinical testing. Allele origin: germline.

GeneDx
Classification: Benign. Last evaluated: 2019-08-22. Review status: criteria provided, single submitter. Criteria: GeneDx Variant Classification Process June 2021. Collection method: clinical testing. Allele origin: germline. Affected: yes.
Comment: This variant is associated with the following publications: (PMID: 29185192, 10739168, 21454829, 21742528, 18818557)

NM_001621.5(AHR):c.1661G>A (p.Arg554Lys)

Gene: AHR (aryl hydrocarbon receptor; plus strand). Cytogenetic location: 7p21.1.
Variant type: single nucleotide variant.
Coding change: c.1661G>A on transcript NM_001621.5 (MANE Select); coding-DNA position 1661, G replaced by A.
Protein change: p.Arg554Lys; replaces arginine 554 with lysine.
Molecular consequence: missense variant.
Genome position (GRCh38, 1-based): chr7:17,339,486, G>A. VCF-style: chr7-17339486-G-A. GRCh37 (hg19) VCF-style: chr7-17379110-G-A.
Other names: short protein forms R554K.
Identifiers: ClinVar variation 1168239 (VCV001168239.11), dbSNP rs2066853, ClinGen allele CA4172163.